The following is an entry in ClinVar:

ClinVar aggregate classification (germline): Uncertain significance. Review status: criteria provided, single submitter (1 of 4 stars). 2 submissions from 2 submitters: Uncertain significance (1). 1 of the submissions does not count toward it. Last evaluated 2022-12-07.

Conditions:
TECTA-related disorder. Also called: TECTA-related condition.

Allele frequency attached by ClinVar (database versions not stated): gnomAD exomes below 0.00001; TOPMed 0.00001.
gnomAD v4.1: 1 of 1,614,202 alleles (0.000062%); highest among the groups gnomAD compares: Non-Finnish European, 0.000085%; no homozygotes.

Submissions (2):

Labcorp Genetics (formerly Invitae), Labcorp
Classification: Uncertain significance. Last evaluated: 2022-12-07. Review status: criteria provided, single submitter. Criteria: Invitae Variant Classification Sherloc (09022015). Collection method: clinical testing. Allele origin: germline.
Comment: This variant is not present in population databases (gnomAD no frequency). This sequence change replaces asparagine, which is neutral and polar, with lysine, which is basic and polar, at codon 289 of the TECTA protein (p.Asn289Lys). In summary, the available evidence is currently insufficient to determine the role of this variant in disease. Therefore, it has been classified as a Variant of Uncertain Significance. Advanced modeling of protein sequence and biophysical properties (such as structural, functional, and spatial information, amino acid conservation, physicochemical variation, residue mobility, and thermodynamic stability) performed at Invitae indicates that this missense variant is not expected to disrupt TECTA protein function. This variant has not been reported in the literature in individuals affected with TECTA-related conditions.

PreventionGenetics, part of Exact Sciences
Classification: Uncertain significance for TECTA-related condition. Last evaluated: 2024-06-25. Review status: no assertion criteria provided. Collection method: clinical testing. Allele origin: germline. Not counted in ClinVar's aggregate classification.
Comment: The TECTA c.867C>A variant is predicted to result in the amino acid substitution p.Asn289Lys. To our knowledge, this variant has not been reported in the literature or in a large population database, indicating this variant is rare. At this time, the clinical significance of this variant is uncertain due to the absence of conclusive functional and genetic evidence.

NM_005422.4(TECTA):c.867C>A (p.Asn289Lys)

Genes: TBCEL-TECTA (TBCEL-TECTA readthrough; plus strand), TECTA (tectorin alpha; plus strand). Cytogenetic location: 11q23.3.
Variant type: single nucleotide variant.
Coding change: c.867C>A on transcript NM_005422.4 (MANE Select); coding-DNA position 867, C replaced by A.
Protein change: p.Asn289Lys; replaces asparagine 289 with lysine.
Molecular consequence: missense variant.
Genome position (GRCh38, 1-based): chr11:121,118,382, C>A. VCF-style: chr11-121118382-C-A. GRCh37 (hg19) VCF-style: chr11-120989091-C-A.
Other names: c.867C>A (NM_005422.2); c.1824C>A, p.Asn608Lys (NM_001378761.1); short protein forms N289K, N608K.
Identifiers: ClinVar variation 2898094 (VCV002898094.4), dbSNP rs1176325648, ClinGen allele CA383007570.
Genomic context (GRCh38, chr11:121,118,382, plus strand): 5'-AGGGGAGGTGTTTTGGGATGACTTGAACTGCACCGTCAAGTGCCGCTGTCTGGATTTCAA[C>A]AATGAGATCTACTGCCAGGAGGCTTCCTGTAGCCCCTACGAGGTGTGCGAACCCAAAGGC-3'
Protein context (NP_005413.2, residues 279-299): CTVKCRCLDF[Asn289Lys]NEIYCQEASC